The following is an entry in ClinVar:

ClinVar aggregate classification (germline): Pathogenic. Review status: criteria provided, multiple submitters, no conflicts (2 of 4 stars). 2 submissions from 2 submitters: Pathogenic (2). Last evaluated 2023-11-29.

Conditions:
Hereditary cancer-predisposing syndrome. Also called: Tumor predisposition; Hereditary neoplastic syndrome; Neoplastic Syndromes, Hereditary; Hereditary Cancer Syndrome. Identifiers: Orphanet 140162, MedGen C0027672, MeSH D009386, MONDO:0015356.
Hereditary breast ovarian cancer syndrome. Also called: Hereditary breast and ovarian cancer; Breast and ovarian cancer; BRCA1- and BRCA2-Associated Hereditary Breast and Ovarian Cancer; Hereditary breast and/or ovarian cancer syndrome; Hereditary breast and ovarian cancer syndrome; Hereditary breast and ovarian cancer syndrome (HBOC). Identifiers: Orphanet 145, MedGen C0677776, MeSH D061325, MONDO:0003582. Disease mechanism: loss of function.

Submissions (2):

Ambry Genetics
Classification: Pathogenic for Hereditary cancer-predisposing syndrome. Last evaluated: 2023-11-29. Review status: criteria provided, single submitter. Criteria: Ambry Variant Classification Scheme 2023. Collection method: clinical testing. Allele origin: germline.
Comment: The p.K1967* pathogenic mutation (also known as c.5899A>T), located in coding exon 10 of the BRCA2 gene, results from an A to T substitution at nucleotide position 5899. This changes the amino acid from a lysine to a stop codon within coding exon 10. This variant is considered to be rare based on population cohorts in the Genome Aggregation Database (gnomAD). This alteration is expected to result in loss of function by premature protein truncation or nonsense-mediated mRNA decay. As such, this alteration is interpreted as a disease-causing mutation.

Labcorp Genetics (formerly Invitae), Labcorp
Classification: Pathogenic for Hereditary breast ovarian cancer syndrome. Last evaluated: 2020-03-08. Review status: criteria provided, single submitter. Criteria: Invitae Variant Classification Sherloc (09022015). Collection method: clinical testing. Allele origin: germline.
Comment: For these reasons, this variant has been classified as Pathogenic. Loss-of-function variants in BRCA2 are known to be pathogenic (PMID: 20104584). This variant has not been reported in the literature in individuals with BRCA2-related conditions. This variant is not present in population databases (ExAC no frequency). This sequence change creates a premature translational stop signal (p.Lys1967*) in the BRCA2 gene. It is expected to result in an absent or disrupted protein product.

Literature cited by the submitters: PubMed 20104584 (cited by Labcorp Genetics (formerly Invitae), Labcorp).

NM_000059.4(BRCA2):c.5899A>T (p.Lys1967Ter)

Gene: BRCA2 (BRCA2 DNA repair associated; plus strand). Cytogenetic location: 13q13.1.
Variant type: single nucleotide variant.
Coding change: c.5899A>T on transcript NM_000059.4 (MANE Select); coding-DNA position 5899, A replaced by T.
Protein change: p.Lys1967Ter; replaces lysine 1967 with a stop codon.
Molecular consequence: nonsense.
Genome position (GRCh38, 1-based): chr13:32,340,254, A>T. VCF-style: chr13-32340254-A-T. GRCh37 (hg19) VCF-style: chr13-32914391-A-T.
Other names: c.5899A>T (NM_000059.3); short protein forms K1967*.
Identifiers: ClinVar variation 1075442 (VCV001075442.8), dbSNP rs988285170, ClinGen allele CA247511916.
Genomic context (GRCh38, chr13:32,340,254, plus strand): 5'-CCTTGTGATGTTAGTTTGGAAACTTCAGATATATGTAAATGTAGTATAGGGAAGCTTCAT[A>T]AGTCAGTCTCATCTGCAAATACTTGTGGGATTTTTAGCACAGCAAGTGGAAAATCTGTCC-3'